The following is an entry in ClinVar:

NM_004134.7(HSPA9):c.61C>T (p.Pro21Ser)

Gene: HSPA9 (heat shock protein family A (Hsp70) member 9; minus strand). Cytogenetic location: 5q31.2.
Variant type: single nucleotide variant.
Coding change: c.61C>T on transcript NM_004134.7 (MANE Select); coding-DNA position 61, C replaced by T.
Protein change: p.Pro21Ser; replaces proline 21 with serine.
Molecular consequence: missense variant.
Genome position (GRCh38, 1-based): chr5:138,575,258, G>A on the plus strand (C>T on the coding strand, the complement: HSPA9 is on the minus strand). VCF-style: chr5-138575258-G-A. GRCh37 (hg19) VCF-style: chr5-137910947-G-A.
Other names: short protein forms P21S.
Identifiers: ClinVar variation 3778101 (VCV003778101.7).

ClinVar aggregate classification (germline): Likely benign (1 of 4 stars; one submission).

Submission:

CeGaT Center for Human Genetics Tuebingen
Classification: Likely benign. Last evaluated: 2025-03-01. Review status: criteria provided, single submitter. Criteria: CeGaT Center For Human Genetics Tuebingen Variant Classification Criteria Version 2. Collection method: clinical testing. Allele origin: germline. Affected: yes. Observed: 1 variant allele.
Comment: HSPA9: BP4, BS2